The following is an entry in ClinVar:

ClinVar aggregate classification (germline): Pathogenic (1 of 4 stars; one submission).

Conditions:
Glycogen storage disease IXb (GSD9B). Also called: PHOSPHORYLASE KINASE DEFICIENCY OF LIVER AND MUSCLE, AUTOSOMAL RECESSIVE; GLYCOGENOSIS OF LIVER AND MUSCLE, AUTOSOMAL RECESSIVE; GSD IXb. Identifiers: Orphanet 79240, MedGen C0543514, MONDO:0009868, OMIM 261750.

Submission:

Labcorp Genetics (formerly Invitae), Labcorp
Classification: Pathogenic for Glycogen storage disease IXb. Last evaluated: 2025-03-31. Review status: criteria provided, single submitter. Criteria: Invitae Variant Classification Sherloc (09022015). Collection method: clinical testing. Allele origin: germline.
Comment: This sequence change creates a premature translational stop signal (p.Gln389Hisfs*6) in the PHKB gene. It is expected to result in an absent or disrupted protein product. Loss-of-function variants in PHKB are known to be pathogenic (PMID: 9215682, 9326319). This variant is not present in population databases (gnomAD no frequency). This variant has not been reported in the literature in individuals affected with PHKB-related conditions. ClinVar contains an entry for this variant (Variation ID: 2867928). For these reasons, this variant has been classified as Pathogenic.

Literature cited by the submitters: PubMed 9215682; PubMed 9326319.

NM_000293.3(PHKB):c.1162_1166dup (p.Gln389fs)

Gene: PHKB (phosphorylase kinase regulatory subunit beta; plus strand). Cytogenetic location: 16q12.1.
Variant type: Duplication.
Coding change: c.1162_1166dup on transcript NM_000293.3 (MANE Select); coding-DNA positions 1162 to 1166, 5 bases duplicated (TATCA; older notation c.1162_1166dupTATCA).
Protein change: p.Gln389fs; shifts the reading frame from glutamine 389.
Molecular consequence: frameshift variant.
Genome position (GRCh38, 1-based): chr16:47,594,172-47,594,176, TATCA duplicated; duplicating any 5 consecutive bases within chr16:47,594,171-47,594,176 gives the same sequence; the c. name uses the placement nearest the transcript's 3' end. VCF-style (leftmost placement, unchanged base first): chr16-47594170-A-AATATC. GRCh37 (hg19) VCF-style: chr16-47628081-A-AATATC.
Other names: c.1141_1145dup, p.Gln382fs (NM_001031835.3); c.1162_1166dup, p.Gln389fs (NM_001363837.1); short protein forms Q389fs, Q382fs.
Identifiers: ClinVar variation 2867928 (VCV002867928.3), dbSNP rs1312150142, ClinGen allele CA721085847.
Genomic context (GRCh38, chr16:47,594,170, plus strand): 5'-TATTGGATTTTATATTTTATATTTTAGGAGTTTTTAGAGGCAATCCTAAGCAAGTACAGG[A>AATATC]ATATCAGGATCTTTTGACTCCAGTACTTCATCATACCACAGAAGGTATAGTTGTTTTTTT-3'